The following is an entry in ClinVar:

ClinVar aggregate classification (germline): Likely benign (0 of 4 stars; one submission).

Conditions:
PHF3-related disorder. Also called: PHF3-related condition.

Allele frequency attached by ClinVar (database versions not stated): ESP Exome Variant Server 0.00008; gnomAD exomes 0.00011; TOPMed 0.00021.
gnomAD v4.1: 205 of 1,601,466 alleles (0.013%); highest among the groups gnomAD compares: Non-Finnish European, 0.0024%; 1 homozygote.

Submission:

PreventionGenetics, part of Exact Sciences
Classification: Likely benign for PHF3-related condition. Last evaluated: 2019-06-18. Review status: no assertion criteria provided. Collection method: clinical testing. Allele origin: germline.
Comment: This variant is classified as likely benign based on ACMG/AMP sequence variant interpretation guidelines (Richards et al. 2015 PMID: 25741868, with internal and published modifications).

NM_001370348.2(PHF3):c.2862G>T (p.Lys954Asn)

Gene: PHF3 (PHD finger protein 3; plus strand). Cytogenetic location: 6q12.
Variant type: single nucleotide variant.
Coding change: c.2862G>T on transcript NM_001370348.2 (MANE Select); coding-DNA position 2862, G replaced by T.
Protein change: p.Lys954Asn; replaces lysine 954 with asparagine.
Molecular consequence: missense variant.
Genome position (GRCh38, 1-based): chr6:63,698,485, G>T. VCF-style: chr6-63698485-G-T. GRCh37 (hg19) VCF-style: chr6-64408375-G-T.
Other names: c.2598G>T, p.Lys866Asn (NM_001290259.2, NM_001370349.2); c.669G>T, p.Lys223Asn (NM_001370350.2); c.2862G>T, p.Lys954Asn (NM_015153.4); short protein forms K223N, K866N, K954N.
Identifiers: ClinVar variation 3034369 (VCV003034369.2), dbSNP rs200731054, ClinGen allele CA3876016.
Genomic context (GRCh38, chr6:63,698,485, plus strand): 5'-TAATTGAATTGTTCTAATTTTAAGACTTACAGACTCAAATTTGAAGGTACCAGAGGAAAA[G>T]GCAGCAAAAGTTGCCACAAAAATTGAGAAAGAGCTTTTCTCTTTTTTTCGGGACACAGAT-3'
Protein context (NP_001357277.1, residues 944-964): TDSNLKVPEE[Lys954Asn]AAKVATKIEK